The following is an entry in ClinVar:

ClinVar aggregate classification (germline): Uncertain significance (1 of 4 stars; one submission).

Conditions:
Neuroblastoma, susceptibility to, 3. Also called: ALK-Related Neuroblastic Tumor Susceptibility. Identifiers: Orphanet 635, MedGen C2751681, MONDO:0013083, OMIM 613014.

Submission:

Labcorp Genetics (formerly Invitae), Labcorp
Classification: Uncertain significance for Neuroblastoma, susceptibility to, 3. Last evaluated: 2023-08-16. Review status: criteria provided, single submitter. Criteria: Invitae Variant Classification Sherloc (09022015). Collection method: clinical testing. Allele origin: germline.
Comment: This sequence change replaces proline, which is neutral and non-polar, with threonine, which is neutral and polar, at codon 1521 of the ALK protein (p.Pro1521Thr). This variant is not present in population databases (gnomAD no frequency). This variant has not been reported in the literature in individuals affected with ALK-related conditions. An algorithm developed to predict the effect of missense changes on protein structure and function (PolyPhen-2) suggests that this variant is likely to be tolerated. In summary, the available evidence is currently insufficient to determine the role of this variant in disease. Therefore, it has been classified as a Variant of Uncertain Significance.

NM_004304.5(ALK):c.4561C>A (p.Pro1521Thr)

Gene: ALK (ALK receptor tyrosine kinase; minus strand). Cytogenetic location: 2p23.2.
Variant type: single nucleotide variant.
Coding change: c.4561C>A on transcript NM_004304.5 (MANE Select); coding-DNA position 4561, C replaced by A.
Protein change: p.Pro1521Thr; replaces proline 1521 with threonine.
Molecular consequence: missense variant.
Genome position (GRCh38, 1-based): chr2:29,193,526, G>T on the plus strand (C>A on the coding strand, the complement: ALK is on the minus strand). VCF-style: chr2-29193526-G-T. GRCh37 (hg19) VCF-style: chr2-29416392-G-T.
Other names: c.1357C>A, p.Pro453Thr (NM_001353765.2); short protein forms P453T, P1521T.
Identifiers: ClinVar variation 3011275 (VCV003011275.3), dbSNP rs1216631957, ClinGen allele CA346460761.